The following is an entry in ClinVar:

NM_001283009.2(RTEL1):c.1595_1595+8del

Genes: RTEL1 (regulator of telomere elongation helicase 1; plus strand), RTEL1-TNFRSF6B (RTEL1-TNFRSF6B readthrough (NMD candidate); plus strand). Cytogenetic location: 20q13.33.
Variant type: Deletion.
Coding change: c.1595_1595+8del on transcript NM_001283009.2 (MANE Select); coding-DNA position 1595 through 8 bases into the intron after coding-DNA position 1595, 9 bases deleted (GGTGAGGGC; older notation c.1595_1595+8delGGTGAGGGC).
Molecular consequence: splice donor variant.
Genome position (GRCh38, 1-based): chr20:63,688,050-63,688,058, GGTGAGGGC deleted; deleting any 9 consecutive bases within chr20:63,688,049-63,688,058 gives the same sequence; the c. name uses the placement nearest the transcript's 3' end. VCF-style (leftmost placement, unchanged base first): chr20-63688048-ACGGTGAGGG-A. GRCh37 (hg19) VCF-style: chr20-62319401-ACGGTGAGGG-A.
Other names: c.926_926+8del (NM_001283010.1); c.1667_1667+8del (NM_032957.5); c.1595_1595+8del (NM_016434.4).
Identifiers: ClinVar variation 2937198 (VCV002937198.3), dbSNP rs2517116632, ClinGen allele CA2653857406.

ClinVar aggregate classification (germline): Likely pathogenic (1 of 4 stars; one submission).

Conditions:
Dyskeratosis congenita, autosomal recessive 5 (DKCB5). Identifiers: MedGen C3554656, MONDO:0014076, OMIM 615190.
Pulmonary fibrosis and/or bone marrow failure, Telomere-related, 3. Also called: PULMONARY FIBROSIS AND/OR BONE MARROW FAILURE SYNDROME, TELOMERE-RELATED, 3. Identifiers: Orphanet 2032, MedGen C4225346, MONDO:0014613, OMIM 616373.

Submission:

Labcorp Genetics (formerly Invitae), Labcorp
Classification: Likely pathogenic for Dyskeratosis congenita, autosomal recessive 5; Pulmonary fibrosis and/or bone marrow failure, Telomere-related, 3. Last evaluated: 2023-06-12. Review status: criteria provided, single submitter. Criteria: Invitae Variant Classification Sherloc (09022015). Collection method: clinical testing. Allele origin: germline.
Comment: In summary, the currently available evidence indicates that the variant is pathogenic, but additional data are needed to prove that conclusively. Therefore, this variant has been classified as Likely Pathogenic. Algorithms developed to predict the effect of sequence changes on RNA splicing suggest that this variant may disrupt the consensus splice site. This variant has not been reported in the literature in individuals affected with RTEL1-related conditions. This variant is not present in population databases (gnomAD no frequency). This variant results in the deletion of part of exon 18 (c.1595_1595+8del) of the RTEL1 gene. It is expected to disrupt RNA splicing. Variants that disrupt the donor or acceptor splice site typically lead to a loss of protein function (PMID: 16199547), and loss-of-function variants in RTEL1 are known to be pathogenic (PMID: 23453664, 23959892, 25607374).

Literature cited by the submitters: PubMed 16199547; PubMed 23453664; PubMed 23959892; PubMed 25607374.